The following is an entry in ClinVar:

NM_032153.6(ZIC4):c.790T>C (p.Tyr264His)

Gene: ZIC4 (Zic family zinc finger 4; minus strand). Cytogenetic location: 3q24.
Variant type: single nucleotide variant.
Coding change: c.790T>C on transcript NM_032153.6 (MANE Select); coding-DNA position 790, T replaced by C.
Protein change: p.Tyr264His; replaces tyrosine 264 with histidine.
Molecular consequence: missense variant. On other transcripts: non-coding transcript variant (3).
Genome position (GRCh38, 1-based): chr3:147,391,145, A>G on the plus strand (T>C on the coding strand, the complement: ZIC4 is on the minus strand). VCF-style: chr3-147391145-A-G. GRCh37 (hg19) VCF-style: chr3-147108932-A-G.
Other names: c.940T>C, p.Tyr314His (NM_001168378.1); c.904T>C, p.Tyr302His (NM_001168379.2); c.172T>C, p.Tyr58His (NM_001243256.2); short protein forms Y264H, Y58H, Y302H, Y314H.
Identifiers: ClinVar variation 2623413 (VCV002623413.3), dbSNP rs896918367, ClinGen allele CA84564707.

ClinVar aggregate classification (germline): Uncertain significance. Review status: criteria provided, multiple submitters, no conflicts (2 of 4 stars). 2 submissions from 2 submitters: Uncertain significance (2). Last evaluated 2025-04-02.

Allele frequency attached by ClinVar (database versions not stated): gnomAD exomes 0.00001; TOPMed 0.00002; gnomAD 0.00003.
gnomAD v4.1: 8 of 1,613,684 alleles (0.0005%); highest among the groups gnomAD compares: African/African-American, 0.011%; no homozygotes.

Submissions (2):

Labcorp Genetics (formerly Invitae), Labcorp
Classification: Uncertain significance. Last evaluated: 2025-04-02. Review status: criteria provided, single submitter. Criteria: Invitae Variant Classification Sherloc (09022015). Collection method: clinical testing. Allele origin: germline.
Comment: This sequence change replaces tyrosine, which is neutral and polar, with histidine, which is basic and polar, at codon 314 of the ZIC4 protein (p.Tyr314His). This variant is present in population databases (no rsID available, gnomAD 0.008%). This variant has not been reported in the literature in individuals affected with ZIC4-related conditions. ClinVar contains an entry for this variant (Variation ID: 2623413). An algorithm developed to predict the effect of missense changes on protein structure and function (PolyPhen-2) suggests that this variant is likely to be disruptive. In summary, the available evidence is currently insufficient to determine the role of this variant in disease. Therefore, it has been classified as a Variant of Uncertain Significance.

Ambry Genetics
Classification: Uncertain significance. Last evaluated: 2023-09-13. Review status: criteria provided, single submitter. Criteria: Ambry Variant Classification Scheme 2023. Collection method: clinical testing. Allele origin: germline.